The following is an entry in ClinVar:

ClinVar aggregate classification (germline): Uncertain significance. Review status: criteria provided, multiple submitters, no conflicts (2 of 4 stars). 2 submissions from 2 submitters: Uncertain significance (2). Last evaluated 2024-02-29.

Conditions:
Pierson syndrome. Also called: MICROCORIA-CONGENITAL NEPHROTIC SYNDROME. Identifiers: Orphanet 2670, MedGen C1836876, MONDO:0012184, OMIM 609049.
LAMB2-related infantile-onset nephrotic syndrome. Also called: NEPHROTIC SYNDROME, TYPE 5, WITHOUT OCULAR ABNORMALITIES; NEPHROTIC SYNDROME, TYPE 5, WITH OCULAR ABNORMALITIES; Nephrotic Syndrome, type 5. Identifiers: Orphanet 306507, MedGen C3280113, MONDO:0013621, OMIM 614199.

Allele frequency attached by ClinVar (database versions not stated): gnomAD exomes 0.00001; TOPMed 0.00001; gnomAD 0.00005; ExAC 0.00008; 1000 Genomes Project 30x 0.00047; 1000 Genomes Project 0.00060.

Submissions (2):

Fulgent Genetics
Classification: Uncertain significance for Pierson syndrome; LAMB2-related infantile-onset nephrotic syndrome. Last evaluated: 2024-02-29. Review status: criteria provided, single submitter. Criteria: ACMG Guidelines, 2015. Collection method: clinical testing. Allele origin: germline.

Labcorp Genetics (formerly Invitae), Labcorp
Classification: Uncertain significance for LAMB2-related infantile-onset nephrotic syndrome; Pierson syndrome. Last evaluated: 2022-07-31. Review status: criteria provided, single submitter. Criteria: Invitae Variant Classification Sherloc (09022015). Collection method: clinical testing. Allele origin: germline.
Comment: This sequence change replaces arginine, which is basic and polar, with histidine, which is basic and polar, at codon 408 of the LAMB2 protein (p.Arg408His). This variant is present in population databases (rs538490757, gnomAD 0.06%). This variant has not been reported in the literature in individuals affected with LAMB2-related conditions. Algorithms developed to predict the effect of missense changes on protein structure and function (SIFT, PolyPhen-2, Align-GVGD) all suggest that this variant is likely to be tolerated. In summary, the available evidence is currently insufficient to determine the role of this variant in disease. Therefore, it has been classified as a Variant of Uncertain Significance.

NM_002292.4(LAMB2):c.1223G>A (p.Arg408His)

Gene: LAMB2 (laminin subunit beta 2; minus strand). Cytogenetic location: 3p21.31.
Variant type: single nucleotide variant.
Coding change: c.1223G>A on transcript NM_002292.4 (MANE Select); coding-DNA position 1223, G replaced by A.
Protein change: p.Arg408His; replaces arginine 408 with histidine.
Molecular consequence: missense variant.
Genome position (GRCh38, 1-based): chr3:49,130,233, C>T on the plus strand (G>A on the coding strand, the complement: LAMB2 is on the minus strand). VCF-style: chr3-49130233-C-T. GRCh37 (hg19) VCF-style: chr3-49167666-C-T.
Other names: short protein forms R408H.
Identifiers: ClinVar variation 1898414 (VCV001898414.3), dbSNP rs538490757, ClinGen allele CA2394664.
Genomic context (GRCh38, chr3:49,130,233, plus strand): 5'-CTCTCTAGTTCCTGCCCCAGGCTCAGCTTTCTCTCCCCGTGCCCAATCCCAGCCTCACAG[C>T]GGCACACAGCCGGATCCCGCAGGTCCTTGGTTGGGTCACGGTAGAAGAAGGGCCGACAGA-3'
Protein context (NP_002283.3, residues 398-418): TKDLRDPAVC[Arg408His]SCDCDPMGSQ